The following is an entry in ClinVar:

ClinVar aggregate classification (germline): Uncertain significance (1 of 4 stars; one submission).

Conditions:
Intellectual disability, autosomal recessive 53 (NEDHSCA). Also called: GLYCOSYLPHOSPHATIDYLINOSITOL BIOSYNTHESIS DEFECT 13; Mental retardation, autosomal recessive 53; NEURODEVELOPMENTAL DISORDER WITH OR WITHOUT HYPOTONIA, SEIZURES, AND CEREBELLAR ATROPHY. Identifiers: Orphanet 488635, MedGen C4310794, MONDO:0014832, OMIM 616917.

Submission:

Labcorp Genetics (formerly Invitae), Labcorp
Classification: Uncertain significance for Intellectual disability, autosomal recessive 53. Last evaluated: 2024-10-23. Review status: criteria provided, single submitter. Criteria: Invitae Variant Classification Sherloc (09022015). Collection method: clinical testing. Allele origin: germline.
Comment: This sequence change replaces lysine, which is basic and polar, with arginine, which is basic and polar, at codon 788 of the PIGG protein (p.Lys788Arg). This variant is not present in population databases (gnomAD no frequency). This variant has not been reported in the literature in individuals affected with PIGG-related conditions. ClinVar contains an entry for this variant (Variation ID: 2040748). Invitae Evidence Modeling of protein sequence and biophysical properties (such as structural, functional, and spatial information, amino acid conservation, physicochemical variation, residue mobility, and thermodynamic stability) indicates that this missense variant is not expected to disrupt PIGG protein function with a negative predictive value of 80%. In summary, the available evidence is currently insufficient to determine the role of this variant in disease. Therefore, it has been classified as a Variant of Uncertain Significance.

NM_001127178.3(PIGG):c.2363A>G (p.Lys788Arg)

Gene: PIGG (phosphatidylinositol glycan anchor biosynthesis class G (EMM blood group); plus strand). Cytogenetic location: 4p16.3.
Variant type: single nucleotide variant.
Coding change: c.2363A>G on transcript NM_001127178.3 (MANE Select); coding-DNA position 2363, A replaced by G.
Protein change: p.Lys788Arg; replaces lysine 788 with arginine.
Molecular consequence: missense variant. On other transcripts: non-coding transcript variant (6).
Genome position (GRCh38, 1-based): chr4:530,537, A>G. VCF-style: chr4-530537-A-G. GRCh37 (hg19) VCF-style: chr4-524326-A-G.
Other names: c.2096A>G, p.Lys699Arg (NM_001289051.2, NM_001345986.2); c.1964A>G, p.Lys655Arg (NM_001289052.2); c.2072A>G, p.Lys691Arg (NM_001345987.2); c.1334A>G, p.Lys445Arg (NM_001345988.2); c.830A>G, p.Lys277Arg (NM_001345990.2, NM_001345991.2); c.1265A>G, p.Lys422Arg (NM_001345994.2); c.2339A>G, p.Lys780Arg (NM_017733.5); short protein forms K277R, K655R, K691R, K780R, K422R, K445R, K788R, K699R.
Identifiers: ClinVar variation 2040748 (VCV002040748.4), dbSNP rs2475051339, ClinGen allele CA355909935.